The following is an entry in ClinVar:

NM_003227.4(TFR2):c.1861G>C (p.Ala621Pro)

Gene: TFR2 (transferrin receptor 2; minus strand). Cytogenetic location: 7q22.1.
Variant type: single nucleotide variant.
Coding change: c.1861G>C on transcript NM_003227.4 (MANE Select); coding-DNA position 1861, G replaced by C.
Protein change: p.Ala621Pro; replaces alanine 621 with proline.
Molecular consequence: missense variant.
Genome position (GRCh38, 1-based): chr7:100,627,398, C>G on the plus strand (G>C on the coding strand, the complement: TFR2 is on the minus strand). VCF-style: chr7-100627398-C-G. GRCh37 (hg19) VCF-style: chr7-100225021-C-G.
Other names: c.1348G>C, p.Ala450Pro (NM_001206855.3); short protein forms A621P, A450P.
Identifiers: ClinVar variation 652029 (VCV000652029.8), dbSNP rs1425852957, ClinGen allele CA368525038.

ClinVar aggregate classification (germline): Uncertain significance (1 of 4 stars; one submission).

Conditions:
Hereditary hemochromatosis (HFE). Identifiers: MedGen C0392514, MONDO:0006507. Disease mechanism: loss of function.

Submission:

Labcorp Genetics (formerly Invitae), Labcorp
Classification: Uncertain significance for Hereditary hemochromatosis. Last evaluated: 2018-10-04. Review status: criteria provided, single submitter. Criteria: Invitae Variant Classification Sherloc (09022015). Collection method: clinical testing. Allele origin: germline.
Comment: In summary, the available evidence is currently insufficient to determine the role of this variant in disease. Therefore, it has been classified as a Variant of Uncertain Significance. Algorithms developed to predict the effect of missense changes on protein structure and function (SIFT, PolyPhen-2, Align-GVGD) all suggest that this variant is likely to be disruptive, but these predictions have not been confirmed by published functional studies and their clinical significance is uncertain. This variant has not been reported in the literature in individuals with TFR2-related disease. This variant is not present in population databases (ExAC no frequency). This sequence change replaces alanine with proline at codon 621 of the TFR2 protein (p.Ala621Pro). The alanine residue is highly conserved and there is a small physicochemical difference between alanine and proline.